The following is an entry in ClinVar:

NM_006466.4(POLR3F):c.884A>T (p.Asp295Val)

Gene: POLR3F (RNA polymerase III subunit F; plus strand). Cytogenetic location: 20p11.23.
Variant type: single nucleotide variant.
Coding change: c.884A>T on transcript NM_006466.4 (MANE Select); coding-DNA position 884, A replaced by T.
Protein change: p.Asp295Val; replaces aspartic acid 295 with valine.
Molecular consequence: missense variant. On other transcripts: non-coding transcript variant (1).
Genome position (GRCh38, 1-based): chr20:18,483,491, A>T. VCF-style: chr20-18483491-A-T. GRCh37 (hg19) VCF-style: chr20-18464135-A-T.
Other names: c.761A>T, p.Asp254Val (NM_001282526.2); c.740A>T, p.Asp247Val (NM_001410821.1); short protein forms D254V, D247V, D295V.
Identifiers: ClinVar variation 2708424 (VCV002708424.3), dbSNP rs2517429394, ClinGen allele CA408353719.
Genomic context (GRCh38, chr20:18,483,491, plus strand): 5'-AGATATTTTAAAACTTTAATTTGAATATAATTTTTTTTTCTTTTTTAAAGGTTTTTGATG[A>T]CTGCCACGAAGGTGGTGAGATTTCACCATCTAACTGTATTTACATGACAGAGTGGCTCGA-3'
Protein context (NP_006457.2, residues 285-305): APCGLCPVFD[Asp295Val]CHEGGEISPS

ClinVar aggregate classification (germline): Uncertain significance (1 of 4 stars; one submission).

Allele frequency attached by ClinVar (database versions not stated): gnomAD exomes below 0.00001.

Submission:

Labcorp Genetics (formerly Invitae), Labcorp
Classification: Uncertain significance. Last evaluated: 2024-01-09. Review status: criteria provided, single submitter. Criteria: Invitae Variant Classification Sherloc (09022015). Collection method: clinical testing. Allele origin: germline.
Comment: This sequence change replaces aspartic acid, which is acidic and polar, with valine, which is neutral and non-polar, at codon 254 of the POLR3F protein (p.Asp254Val). This variant is not present in population databases (gnomAD no frequency). This variant has not been reported in the literature in individuals affected with POLR3F-related conditions. Experimental studies and prediction algorithms are not available or were not evaluated, and the functional significance of this variant is currently unknown. In summary, the available evidence is currently insufficient to determine the role of this variant in disease. Therefore, it has been classified as a Variant of Uncertain Significance.